The following is an entry in ClinVar:

ClinVar aggregate classification (germline): Conflicting classifications of pathogenicity. Review status: criteria provided, conflicting classifications (1 of 4 stars). 8 submissions from 6 submitters: Uncertain significance (6); Likely benign (2). Last evaluated 2025-07-14.

Conditions:
Inborn genetic diseases. Identifiers: MedGen C0950123, MeSH D030342.
Nephrotic syndrome, type 4 (NPHS4). Also called: Familial mesangial sclerosis; Nephrotic syndrome, early onset with diffuse mesangial sclerosis. Identifiers: Orphanet 656, MedGen C3151568, MONDO:0009733, OMIM 256370.
Meacham syndrome. Also called: Meacham Winn Culler syndrome. Identifiers: Orphanet 3097, MedGen C1837026, MONDO:0012164, OMIM 608978.
Drash syndrome (DDS). Also called: NEPHROPATHY, WILMS TUMOR, AND GENITAL ANOMALIES; WILMS TUMOR AND PSEUDO- OR TRUE HERMAPHRODITISM. Identifiers: Orphanet 220, MedGen C0950121, MONDO:0008682, OMIM 194080.
Wilms tumor 1 (WT1). Also called: Wilms tumor, somatic. Identifiers: Orphanet 654, MedGen CN033288, MONDO:0008679, OMIM 194070.
11p partial monosomy syndrome (WAGR). Also called: CHROMOSOME 11p13 DELETION SYNDROME; WAGR Spectrum Disorder; WAGR syndrome; WAGR Complex. Identifiers: Orphanet 893, MedGen C0206115, MONDO:0008681, OMIM 194072.
Frasier syndrome. Identifiers: Orphanet 347, MedGen C0950122, MeSH D052159, MONDO:0007635, OMIM 136680.

Allele frequency attached by ClinVar (database versions not stated): ExAC below 0.00001; TOPMed 0.00002; gnomAD exomes 0.00003 and 0.00006; gnomAD 0.00019.
gnomAD v4.1: 72 of 1,535,656 alleles (0.0047%); highest among the groups gnomAD compares: Non-Finnish European, 0.0015%; no homozygotes.

Submissions (8):

Labcorp Genetics (formerly Invitae), Labcorp
Classification: Likely benign for Wilms tumor 1; Drash syndrome; 11p partial monosomy syndrome; Frasier syndrome. Last evaluated: 2025-07-14. Review status: criteria provided, single submitter. Criteria: Invitae Variant Classification Sherloc (09022015). Collection method: clinical testing. Allele origin: germline.

Ambry Genetics
Classification: Likely benign for Inborn genetic diseases. Last evaluated: 2024-12-13. Review status: criteria provided, single submitter. Criteria: Ambry Variant Classification Scheme 2023. Collection method: clinical testing. Allele origin: germline.

GeneDx
Classification: Uncertain significance. Last evaluated: 2023-11-03. Review status: criteria provided, single submitter. Criteria: GeneDx Variant Classification Process June 2021. Collection method: clinical testing. Allele origin: germline. Affected: yes.
Comment: In silico analysis supports that this missense variant does not alter protein structure/function; Has not been previously published as pathogenic or benign to our knowledge

St. Jude Molecular Pathology, St. Jude Children's Research Hospital
Classification: Uncertain significance for Wilms tumor 1. Last evaluated: 2022-07-05. Review status: criteria provided, single submitter. Criteria: St. Jude Assertion Criteria 2020. Collection method: clinical testing. Allele origin: germline.
Comment: The WT1 c.109G>A (p.Gly37Ser) missense change has an overall frequency of 0.0079% in gnomAD v2.1.1. The in silico tool REVEL predicts a benign effect on protein function, but to our knowledge this prediction has not been confirmed by functional studies. To our knowledge, this variant has not been reported in individuals with WT1-related conditions. In summary, the evidence currently available is insufficient to determine the clinical significance of this variant. It has therefore been classified as of uncertain significance.

Mendelics
Classification: Uncertain significance for Drash syndrome. Last evaluated: 2019-05-28. Review status: criteria provided, single submitter. Criteria: Mendelics Assertion Criteria 2017. Collection method: clinical testing. Allele origin: unknown.

Illumina Laboratory Services, Illumina
Classification: Uncertain significance for Meacham syndrome. Last evaluated: 2018-03-02. Review status: criteria provided, single submitter. Criteria: ICSL Variant Classification Criteria 13 December 2019. Collection method: clinical testing. Allele origin: germline.

Illumina Laboratory Services, Illumina
Classification: Uncertain significance for Nephrotic syndrome, type 4. Last evaluated: 2018-03-02. Review status: criteria provided, single submitter. Criteria: ICSL Variant Classification Criteria 13 December 2019. Collection method: clinical testing. Allele origin: germline.

Illumina Laboratory Services, Illumina
Classification: Uncertain significance for Wilms tumor 1. Last evaluated: 2018-03-02. Review status: criteria provided, single submitter. Criteria: ICSL Variant Classification Criteria 13 December 2019. Collection method: clinical testing. Allele origin: germline.

NM_024426.6(WT1):c.124G>A (p.Gly42Ser)

Genes: WT1 (WT1 transcription factor; minus strand), LOC107982234 (WT1/WT1-AS bi-directional promoter region; plus strand). Cytogenetic location: 11p13.
Variant type: single nucleotide variant.
Coding change: c.124G>A on transcript NM_024426.6 (MANE Select); coding-DNA position 124, G replaced by A.
Protein change: p.Gly42Ser; replaces glycine 42 with serine.
Molecular consequence: missense variant. On other transcripts: non-coding transcript variant (1).
Genome position (GRCh38, 1-based): chr11:32,435,237, C>T on the plus strand (G>A on the coding strand, the complement: WT1 is on the minus strand). VCF-style: chr11-32435237-C-T. GRCh37 (hg19) VCF-style: chr11-32456783-C-T.
Other names: c.124G>A, p.Gly42Ser (NM_000378.6, NM_024424.5); short protein forms G42S.
Identifiers: ClinVar variation 543129 (VCV000543129.20), dbSNP rs762288656, ClinGen allele CA064232.
Genomic context (GRCh38, chr11:32,435,237, plus strand): 5'-TCCGGCCCTGGAGACGTTCAGCGCTGGCCTCGGCGGCGCCTAACTTGGCCCAGATGCCGC[C>T]CGGGTCCCGGACTCCCTGCTGCTCTGGCTGCTGTAGGCACCCAGGCCCGGAGCGGAGCGT-3'
Protein context (NP_077744.4, residues 32-52): QPEQQGVRDP[Gly42Ser]GIWAKLGAAE